The following is an entry in ClinVar:

NM_033028.5(BBS4):c.1072A>G (p.Lys358Glu)

Gene: BBS4 (Bardet-Biedl syndrome 4; plus strand). Cytogenetic location: 15q24.1.
Variant type: single nucleotide variant.
Coding change: c.1072A>G on transcript NM_033028.5 (MANE Select); coding-DNA position 1072, A replaced by G.
Protein change: p.Lys358Glu; replaces lysine 358 with glutamic acid.
Molecular consequence: missense variant. On other transcripts: non-coding transcript variant (2).
Genome position (GRCh38, 1-based): chr15:72,735,148, A>G. VCF-style: chr15-72735148-A-G. GRCh37 (hg19) VCF-style: chr15-73027489-A-G.
Other names: c.1072A>G (NM_033028.3); c.556A>G, p.Lys186Glu (NM_001252678.2); c.1003A>G, p.Lys335Glu (NM_001320665.2); short protein forms K186E, K335E, K358E.
Identifiers: ClinVar variation 3350133 (VCV003350133.2).

ClinVar aggregate classification (germline): Uncertain significance. Review status: criteria provided, single submitter (1 of 4 stars). 2 submissions from 2 submitters: Uncertain significance (1). 1 of the submissions does not count toward it. Last evaluated 2025-11-03.

Conditions:
BBS4-related disorder. Also called: BBS4-related condition.
Inborn genetic diseases. Identifiers: MedGen C0950123, MeSH D030342.

gnomAD v4.1: 3 of 1,613,816 alleles (0.00019%); highest among the groups gnomAD compares: South Asian, 0.0011%; no homozygotes.

Submissions (2):

Ambry Genetics
Classification: Uncertain significance for Inborn genetic diseases. Last evaluated: 2025-11-03. Review status: criteria provided, single submitter. Criteria: Ambry Variant Classification Scheme 2023. Collection method: clinical testing. Allele origin: germline.

PreventionGenetics, part of Exact Sciences
Classification: Uncertain significance for BBS4-related condition. Last evaluated: 2023-11-15. Review status: no assertion criteria provided. Collection method: clinical testing. Allele origin: germline. Not counted in ClinVar's aggregate classification.
Comment: The BBS4 c.1072A>G variant is predicted to result in the amino acid substitution p.Lys358Glu. To our knowledge, this variant has not been reported in the literature. This variant is reported in 0.0033% of alleles in individuals of South Asian descent in gnomAD. At this time, the clinical significance of this variant is uncertain due to the absence of conclusive functional and genetic evidence.